The following continues an entry in ClinVar:

NM_002524.5(NRAS):c.35G>A (p.Gly12Asp)

Gene: NRAS. ClinVar aggregate classification (germline): Pathogenic/Likely pathogenic. Pathogenic (13); Likely pathogenic (3). ClinVar aggregate classification (somatic clinical impact): Tier I - Strong. ClinVar aggregate classification (oncogenicity): Oncogenic.

Submissions 6 to 18 of 21:

PreventionGenetics, part of Exact Sciences
Classification: Pathogenic for NRAS-related condition. Last evaluated: 2025-02-04. Review status: criteria provided, single submitter. Criteria: ACMG Guidelines, 2015. Collection method: clinical testing. Allele origin: germline.
Comment: The NRAS c.35G>A variant is predicted to result in the amino acid substitution p.Gly12Asp. This variant has been reported in individuals with Noonan syndrome and has been reported as a somatic variant in different types of cancers (van 't Veer et al. 1989. PubMed ID: 2674680; Matsuda et al. 2007. PubMed ID: 17332249; Mardis et al 2009. PubMed ID: 19657110; Hafner et al. 2012. PubMed ID: 22499344; MacConaill et al. 2014. PubMed ID: 25157968; Chang et al. 2015. PubMed ID: 26619011; Altmüller et al. 2017. PubMed ID: 28594414; Cifaldi et al. 2019. PubMed ID: 31031743). In ClinVar, this variant is interpreted as likely pathogenic and pathogenic. This variant is reported in 0.0046% of alleles in individuals of European (Finnish) descent in gnomAD. This variant is interpreted as pathogenic.

GeneDx
Classification: Pathogenic. Last evaluated: 2025-01-08. Review status: criteria provided, single submitter. Criteria: GeneDx Variant Classification Process June 2021. Collection method: clinical testing. Allele origin: germline. Affected: yes.
Comment: Reported previously as a somatic variant in association with several different types of cancer; most commonly in hematopoietic and lymphoid neoplasms (PMID: 15517309, 14982869, 22753870, 26090869); Published functional studies suggest the variant promotes oncogenesis/leukemogenesis and in a mouse model, heterozygosity caused embryonic lethality compared to controls (PMID: 33681212, 18372904, 21586752, 23687087); Missense variants in this gene are a common cause of disease and they are underrepresented in the general population; In silico analysis supports that this missense variant has a deleterious effect on protein structure/function; This variant is associated with the following publications: (PMID: 21586752, 23687087, 26090869, 22753870, 15517309, 23303902, 31031743, 33681212, 14982869, 28594414, 18372904, 35753512)

Genomic Medicine Center of Excellence, King Faisal Specialist Hospital and Research Centre
Classification: Pathogenic for Noonan syndrome 6. Last evaluated: 2024-09-22. Review status: criteria provided, single submitter. Criteria: ACMG Guidelines, 2015. Collection method: clinical testing. Allele origin: germline.

Rady Children's Institute for Genomic Medicine, Rady Children's Hospital San Diego
Classification: Likely pathogenic for NRAS-related disorders. Last evaluated: 2024-02-16. Review status: criteria provided, single submitter. Criteria: ACMG Guidelines, 2015. Collection method: clinical testing. Allele origin: unknown. Affected: yes.
Comment: Missense variation is an established mechanism of disease for NRAS-related disorders (PMID: 26467218). The c.35G>A (p.Gly12Asp) variant affects a highly conserved amino acid and is predicted by multiple in silico tools to have a deleterious effect on protein function. This variant that has been previously reported as a germline de novo heterozygous change in a patient with Noonan syndrome (PMID: 28594414) and as a somatic variant in various types of cancers, including pediatric T-cell lymphoblastic lymphoma (PMID: 26216196, 31413085), juvenile myelomonocytic leukemia (PMID: 17332249), acute myeloid leukemia (PMID: 19657110), melanoma (PMID: 2674680), thyroid cancer (PMID: 27264674) and colorectal cancer (PMID: 27815357). Different amino acid changes at the same residue (p.Gly12Ser, p.Gly12Val, p.Gly12Arg) have been previously reported as a somatic change in individuals with hematologic and solid tumor cancers (PMID: 28098151, 28594414). In vitro and in vivo functional studies demonstrated that the c.35G>A (p.Gly12Asp) variant promotes oncogenesis and suppresses apoptosis (PMID: 21586752, 23687087,18372904). The c.35G>A (p.Gly12Asp) variant is present in the gnomAD v4 population database at a frequency of 0.001% (17/1613956) in the heterozygous state and is absent in the homozygous state. Based on the available evidence, c.35G>A (p.Gly12Asp) is classified as Likely Pathogenic.

Ambry Genetics
Classification: Pathogenic for Cardiovascular phenotype. Last evaluated: 2024-01-12. Review status: criteria provided, single submitter. Criteria: Ambry Variant Classification Scheme 2023. Collection method: clinical testing. Allele origin: germline.
Comment: The p.G12D pathogenic mutation (also known as c.35G>A), located in coding exon 1 of the NRAS gene, results from a G to A substitution at nucleotide position 35. The glycine at codon 12 is replaced by aspartic acid, an amino acid with similar properties. This mutation has been detected in various types of cancers (van 't Veer LJ et al. Mol Cell Biol, 1989 Jul;9:3114-6; Vogelstein B et al. Genes Chromosomes Cancer, 1990 Jul;2:159-62; Brose MS et al. Cancer Res, 2002 Dec;62:6997-7000; Bacher U et al. Blood, 2006 May;107:3847-53; Matsuda K et al. Blood, 2007 Jun;109:5477-80; Vaughn CP et al. Genes Chromosomes Cancer, 2011 May;50:307-12). This variant has also been reported to be de novo in an individual with features consistent with Noonan syndrome (Altm&uuml;ller F et al. Eur J Hum Genet, 2017 Jun;25:823-831). In addition, in vitro functional studies demonstrated that the mutation increases downstream Ras signaling (Tyner JW et al. Blood, 2009 Feb;113:1749-55). Embryonic expression of this mutation led to embryonic lethality and cardiac developmental defects (You X et al. Front Cell Dev Biol, 2021 Feb;9:633661). Endogenous expression of this variant at weaning induced myeloproliferative disorder, and mice that died of a spectrum of hematologic malignancies (Li Q et al. Blood, 2011 Feb;117:2022-32). This amino acid position is highly conserved in available vertebrate species. In addition, this alteration is predicted to be deleterious by in silico analysis. Based on the supporting evidence, this alteration is interpreted as a disease-causing mutation.

Institute for Genomic Medicine (IGM) Clinical Laboratory, Nationwide Children's Hospital
Classification: Tier I - Strong for Germinoma. Assertion type: diagnostic. Clinical significance: supports diagnosis. Last evaluated: 2023-12-27. Review status: criteria provided, single submitter. Criteria: AMP/ASCO/CAP Guidelines, 2017. Collection method: clinical testing. Allele origin: somatic. Affected: yes.
Comment: Variant has Tier I (strong) clinical significance as a diagnostic inclusion criterion in germinoma, based on the following evidence: 1) Diagnostic for a specific tumor type/classification based on well-powered studies with expert-level consensus (Evidence Level B).

Blueprint Genetics
Classification: Pathogenic for NRAS-related disorders. Last evaluated: 2023-11-28. Review status: criteria provided, single submitter. Criteria: ACMG Guidelines, 2015. Collection method: clinical testing. Allele origin: germline. Affected: yes. Observed: 5 variant alleles.

3billion
Classification: Pathogenic for Autoimmune lymphoproliferative syndrome type 4. Last evaluated: 2023-06-20. Review status: criteria provided, single submitter. Criteria: ACMG Guidelines, 2015. Collection method: clinical testing. Allele origin: germline. Affected: yes.
Comment: The variant is observed at an extremely low frequency in the gnomAD v2.1.1 dataset (total allele frequency: <0.001%). Predicted Consequence/Location: Missense changes are a common disease-causing mechanism. In silico tool predictions suggest damaging effect of the variant on gene or gene product (REVEL: 0.78; 3Cnet: 0.96). Same nucleotide change resulting in same amino acid change (ClinVar ID: VCV000039648 /PMID: 28594414 /3billion dataset) and different missense changes at the same codon (p.Gly12Ala, p.Gly12Arg, p.Gly12Cys, p.Gly12Pro, p.Gly12Ser, p.Gly12Val / ClinVar ID: VCV000040468, VCV000040469, VCV000040470, VCV000177778, VCV000219097 /PMID: 23334668, 28594414, 30417923, 32888943 /3billion dataset) have been previously reported as pathogenic/likely pathogenic with strong evidence.The variant has been previously reported as assumed (i.e. paternity and maternity not confirmed) de novo in at least one similarly affected unrelated individual (3billion dataset). Therefore, this variant is classified as Pathogenic according to the recommendation of ACMG/AMP guideline.

Clinical Laboratory Sciences Program (CLSP), King Saud bin Abdulaziz University for Health Sciences (KSAU-HS)
Classification: Pathogenic for Colorectal cancer. Last evaluated: 2023-01-01. Review status: criteria provided, single submitter. Criteria: ACMG Guidelines, 2015. Collection method: clinical testing. Allele origin: germline. Affected: yes.
Comment: PP5, PS3, PM1, PM5, PP3

Clinical Genetics Laboratory, Skane University Hospital Lund
Classification: Pathogenic. Last evaluated: 2022-05-27. Review status: criteria provided, single submitter. Criteria: ACMG Guidelines, 2015. Collection method: clinical testing. Allele origin: germline. Affected: yes.

AiLife Diagnostics
Classification: Pathogenic. Last evaluated: 2021-07-22. Review status: criteria provided, single submitter. Criteria: ACMG Guidelines, 2015. Collection method: clinical testing. Allele origin: germline. Affected: yes. Observed: 1 variant allele.

New York Genome Center
Classification: Pathogenic for Noonan syndrome 6. Last evaluated: 2021-03-26. Review status: criteria provided, single submitter. Criteria: NYGC Assertion Criteria 2020. Collection method: clinical testing. Allele origin: de novo. Observed: 1 heterozygote. Study: CSER-NYCKidSeq.
Comment: The de novo heterozygous c.35G>A (p.Gly12Asp) variant identified in the NRAS gene is a known disease-causing variant and has been reported in ClinVar a Pathogenic by multiple independent laboratories [Variation ID:39648]. Other missense variants affecting the same residue Gly12 have been reported as somatic variants in different types of cancers. The variant has 0.00001314 allele frequency in the gnomAD(v3) database (2 out of 152154 heterozygous alleles, no homozygotes) suggesting it is not a common benign allele in the populations represented in that database. The variant affects a highly conserved residue and is predicted deleterious by multiple in silico tools [CADD score = 24.3, REVEL score = 0.783]. Based on the available evidence, the de novo heterozygous c.35G>A (p.Gly12Asp) variant identified inthe NRAS gene is reported as Pathogenic.

Genome Diagnostics Laboratory, The Hospital for Sick Children
Classification: Likely pathogenic for Noonan syndrome and Noonan-related syndrome. Last evaluated: 2019-12-01. Review status: criteria provided, single submitter. Criteria: ACMG Guidelines, 2015. Collection method: clinical testing. Allele origin: germline. Affected: yes.